The following is an entry in ClinVar:

NM_004415.4(DSP):c.7618G>A (p.Asp2540Asn)

Gene: DSP (desmoplakin; plus strand). Cytogenetic location: 6p24.3.
Variant type: single nucleotide variant.
Coding change: c.7618G>A on transcript NM_004415.4 (MANE Select); coding-DNA position 7618, G replaced by A.
Protein change: p.Asp2540Asn; replaces aspartic acid 2540 with asparagine.
Molecular consequence: missense variant.
Genome position (GRCh38, 1-based): chr6:7,584,880, G>A. VCF-style: chr6-7584880-G-A. GRCh37 (hg19) VCF-style: chr6-7585113-G-A.
Other names: c.5821G>A, p.Asp1941Asn (NM_001008844.3); c.6289G>A, p.Asp2097Asn (NM_001319034.2); short protein forms D1941N, D2097N, D2540N.
Identifiers: ClinVar variation 998409 (VCV000998409.12), dbSNP rs761136328, ClinGen allele CA050297.
Genomic context (GRCh38, chr6:7,584,880, plus strand): 5'-GTAGATAGAAAGACAGGCAGTCAGTATGATATTCAAGATGCTATTGACAAGGGCCTTGTT[G>A]ACAGGAAGTTCTTTGATCAGTACCGATCCGGCAGCCTCAGCCTCACTCAATTTGCTGACA-3'
Protein context (NP_004406.2, residues 2530-2550): IQDAIDKGLV[Asp2540Asn]RKFFDQYRSG

ClinVar aggregate classification (germline): Conflicting classifications of pathogenicity. Review status: criteria provided, conflicting classifications (1 of 4 stars). 3 submissions from 3 submitters: Uncertain significance (2); Likely benign (1). Last evaluated 2025-12-01.

Conditions:
Arrhythmogenic cardiomyopathy with wooly hair and keratoderma. Also called: Dilated cardiomyopathy with woolly hair and keratoderma; PALMOPLANTAR KERATODERMA WITH LEFT VENTRICULAR CARDIOMYOPATHY AND WOOLLY HAIR; Carvajal syndrome; Arrhythmogenic cardiomyopathy with woolly hair and keratoderma. Identifiers: Orphanet 65282, MedGen C1854063, MONDO:0011581, OMIM 605676.
Arrhythmogenic right ventricular dysplasia 8 (ARVD8). Also called: ARRHYTHMOGENIC RIGHT VENTRICULAR DYSPLASIA, FAMILIAL, 8; ARRHYTHMOGENIC RIGHT VENTRICULAR CARDIOMYOPATHY 8; Arrhythmogenic Right Ventricular Dysplasia/Cardiomyopathy 8. Identifiers: MedGen C1843896, MONDO:0011831, OMIM 607450.
Cardiomyopathy (CMYO). Also called: Cardiomyopathies. Identifiers: Orphanet 167848, MedGen C0878544, MONDO:0004994, HP:0001638. Inheritance: Various modes of inheritance.

Allele frequency attached by ClinVar (database versions not stated): gnomAD exomes 0.00001; TOPMed 0.00001; ExAC 0.00002.
gnomAD v4.1: 4 of 1,614,222 alleles (0.00025%); highest among the groups gnomAD compares: Admixed American, 0.005%; no homozygotes.

Submissions (3):

Labcorp Genetics (formerly Invitae), Labcorp
Classification: Likely benign for Arrhythmogenic cardiomyopathy with wooly hair and keratoderma; Arrhythmogenic right ventricular dysplasia 8. Last evaluated: 2025-12-01. Review status: criteria provided, single submitter. Criteria: Invitae Variant Classification Sherloc (09022015). Collection method: clinical testing. Allele origin: germline.

Color Diagnostics, LLC DBA Color Health
Classification: Uncertain significance for Cardiomyopathy. Last evaluated: 2025-02-25. Review status: criteria provided, single submitter. Criteria: ACMG Guidelines, 2015. Collection method: clinical testing. Allele origin: germline.
Comment: This missense variant replaces aspartic acid with asparagine at codon 2540 of the DSP protein. Computational prediction suggests that this variant may not impact protein structure and function (internally defined REVEL score threshold <= 0.5, PMID: 27666373). To our knowledge, functional studies have not been reported for this variant. This variant has not been reported in individuals affected with DSP-related disorders in the literature. This variant has been identified in 3/251490 chromosomes in the general population by the Genome Aggregation Database (gnomAD). The available evidence is insufficient to determine the role of this variant in disease conclusively. Therefore, this variant is classified as a Variant of Uncertain Significance.

All of Us Research Program, National Institutes of Health
Classification: Uncertain significance for Arrhythmogenic cardiomyopathy with wooly hair and keratoderma. Last evaluated: 2023-04-27. Review status: criteria provided, single submitter. Criteria: ACMG Guidelines, 2015. Collection method: clinical testing. Allele origin: germline. Inheritance: Autosomal dominant inheritance. Observed: 1 variant allele, 1 heterozygote.
Comment: This study involves interpretation of variants in research participants for the purpose of population health screening. Participant phenotype was not available at the time of variant classification. Additional details can be found in publication PMID: 35346344, PMCID: PMC8962531